The following is an entry in ClinVar:

ClinVar aggregate classification (germline): Conflicting classifications of pathogenicity. Review status: criteria provided, conflicting classifications (1 of 4 stars). 2 submissions from 2 submitters: Uncertain significance (1); Likely benign (1). Last evaluated 2025-01-18.

Conditions:
Inborn genetic diseases. Identifiers: MedGen C0950123, MeSH D030342.
Fanconi anemia (FA). Also called: Fanconi's anemia. Identifiers: Orphanet 84, MedGen C0015625, MeSH D005199, MONDO:0019391.

Allele frequency attached by ClinVar (database versions not stated): gnomAD exomes below 0.00001.

Submissions (2):

Ambry Genetics
Classification: Likely benign for Inborn genetic diseases. Last evaluated: 2025-01-18. Review status: criteria provided, single submitter. Criteria: Ambry Variant Classification Scheme 2023. Collection method: clinical testing. Allele origin: germline.

Labcorp Genetics (formerly Invitae), Labcorp
Classification: Uncertain significance for Fanconi anemia. Last evaluated: 2023-12-21. Review status: criteria provided, single submitter. Criteria: Invitae Variant Classification Sherloc (09022015). Collection method: clinical testing. Allele origin: germline.
Comment: This sequence change replaces serine, which is neutral and polar, with glycine, which is neutral and non-polar, at codon 377 of the FANCG protein (p.Ser377Gly). This variant is not present in population databases (gnomAD no frequency). This variant has not been reported in the literature in individuals affected with FANCG-related conditions. Advanced modeling of protein sequence and biophysical properties (such as structural, functional, and spatial information, amino acid conservation, physicochemical variation, residue mobility, and thermodynamic stability) performed at Invitae indicates that this missense variant is not expected to disrupt FANCG protein function with a negative predictive value of 80%. In summary, the available evidence is currently insufficient to determine the role of this variant in disease. Therefore, it has been classified as a Variant of Uncertain Significance.

NM_004629.2(FANCG):c.1129A>G (p.Ser377Gly)

Gene: FANCG (FA complementation group G; minus strand). Cytogenetic location: 9p13.3.
Variant type: single nucleotide variant.
Coding change: c.1129A>G on transcript NM_004629.2 (MANE Select); coding-DNA position 1129, A replaced by G.
Protein change: p.Ser377Gly; replaces serine 377 with glycine.
Molecular consequence: missense variant.
Genome position (GRCh38, 1-based): chr9:35,075,976, T>C on the plus strand (A>G on the coding strand, the complement: FANCG is on the minus strand). VCF-style: chr9-35075976-T-C. GRCh37 (hg19) VCF-style: chr9-35075973-T-C.
Other names: short protein forms S377G.
Identifiers: ClinVar variation 2896979 (VCV002896979.4), dbSNP rs1829075705, ClinGen allele CA373310024.